The following is an entry in ClinVar:

NM_000059.4(BRCA2):c.1294G>C (p.Glu432Gln)

Gene: BRCA2 (BRCA2 DNA repair associated; plus strand). Cytogenetic location: 13q13.1.
Variant type: single nucleotide variant.
Coding change: c.1294G>C on transcript NM_000059.4 (MANE Select); coding-DNA position 1294, G replaced by C.
Protein change: p.Glu432Gln; replaces glutamic acid 432 with glutamine.
Molecular consequence: missense variant.
Genome position (GRCh38, 1-based): chr13:32,332,772, G>C. VCF-style: chr13-32332772-G-C. GRCh37 (hg19) VCF-style: chr13-32906909-G-C.
Other names: c.1294G>C, p.Glu432Gln (NM_001406719.1, NM_001406720.1, NM_001406721.1); short protein forms E432Q.
Identifiers: ClinVar variation 1769180 (VCV001769180.9), dbSNP rs2137469719, ClinGen allele CA387762494.

ClinVar aggregate classification (germline): Conflicting classifications of pathogenicity. Review status: criteria provided, conflicting classifications (1 of 4 stars). 3 submissions from 3 submitters: Uncertain significance (2); Likely benign (1). Last evaluated 2023-08-14.

Conditions:
Hereditary cancer-predisposing syndrome. Also called: Hereditary Cancer Syndrome; Hereditary neoplastic syndrome; Neoplastic Syndromes, Hereditary; Tumor predisposition. Identifiers: Orphanet 140162, MedGen C0027672, MeSH D009386, MONDO:0015356.
Hereditary breast ovarian cancer syndrome. Also called: Hereditary breast and ovarian cancer; BRCA1- and BRCA2-Associated Hereditary Breast and Ovarian Cancer; Hereditary breast and ovarian cancer syndrome (HBOC); Hereditary breast and ovarian cancer syndrome; Breast and ovarian cancer; Hereditary breast and/or ovarian cancer syndrome. Identifiers: Orphanet 145, MedGen C0677776, MeSH D061325, MONDO:0003582. Disease mechanism: loss of function.

Submissions (3):

Labcorp Genetics (formerly Invitae), Labcorp
Classification: Uncertain significance for Hereditary breast ovarian cancer syndrome. Last evaluated: 2023-08-14. Review status: criteria provided, single submitter. Criteria: Invitae Variant Classification Sherloc (09022015). Collection method: clinical testing. Allele origin: germline.
Comment: In summary, the available evidence is currently insufficient to determine the role of this variant in disease. Therefore, it has been classified as a Variant of Uncertain Significance. Advanced modeling of protein sequence and biophysical properties (such as structural, functional, and spatial information, amino acid conservation, physicochemical variation, residue mobility, and thermodynamic stability) performed at Invitae indicates that this missense variant is not expected to disrupt BRCA2 protein function. ClinVar contains an entry for this variant (Variation ID: 1769180). This variant has not been reported in the literature in individuals affected with BRCA2-related conditions. This variant is not present in population databases (gnomAD no frequency). This sequence change replaces glutamic acid, which is acidic and polar, with glutamine, which is neutral and polar, at codon 432 of the BRCA2 protein (p.Glu432Gln).

University of Washington Department of Laboratory Medicine, University of Washington
Classification: Likely benign for Hereditary cancer-predisposing syndrome. Last evaluated: 2023-03-23. Review status: criteria provided, single submitter. Criteria: Dines et al. (Genet Med. 2020). Collection method: curation. Allele origin: germline.
Comment: Missense variant in a coldspot region where missense variants are very unlikely to be pathogenic (PMID:31911673).

BRCA2 exon 10 coldspot. Reclassification based on statistical prior probability.

Ambry Genetics
Classification: Uncertain significance for Hereditary cancer-predisposing syndrome. Last evaluated: 2022-10-28. Review status: criteria provided, single submitter. Criteria: Ambry Variant Classification Scheme 2023. Collection method: clinical testing. Allele origin: germline.
Comment: The p.E432Q variant (also known as c.1294G>C), located in coding exon 9 of the BRCA2 gene, results from a G to C substitution at nucleotide position 1294. The glutamic acid at codon 432 is replaced by glutamine, an amino acid with highly similar properties. This amino acid position is not well conserved in available vertebrate species. In addition, this alteration is predicted to be tolerated by in silico analysis. Since supporting evidence is limited at this time, the clinical significance of this alteration remains unclear.